The following is an entry in ClinVar:

NM_006739.4(MCM5):c.25A>G (p.Ile9Val)

Gene: MCM5 (minichromosome maintenance complex component 5; plus strand). Cytogenetic location: 22q12.3.
Variant type: single nucleotide variant.
Coding change: c.25A>G on transcript NM_006739.4 (MANE Select); coding-DNA position 25, A replaced by G.
Protein change: p.Ile9Val; replaces isoleucine 9 with valine.
Molecular consequence: missense variant.
Genome position (GRCh38, 1-based): chr22:35,400,463, A>G. VCF-style: chr22-35400463-A-G. GRCh37 (hg19) VCF-style: chr22-35796456-A-G.
Other names: short protein forms I9V.
Identifiers: ClinVar variation 4707271 (VCV004707271.1).

ClinVar aggregate classification (germline): Uncertain significance (1 of 4 stars; one submission).

gnomAD v4.1: 8 of 1,614,008 alleles (0.0005%); highest among the groups gnomAD compares: South Asian, 0.0022%; no homozygotes.

Submission:

Labcorp Genetics (formerly Invitae), Labcorp
Classification: Uncertain significance. Last evaluated: 2025-03-12. Review status: criteria provided, single submitter. Criteria: Invitae Variant Classification Sherloc (09022015). Collection method: clinical testing. Allele origin: germline.
Comment: This sequence change replaces isoleucine, which is neutral and non-polar, with valine, which is neutral and non-polar, at codon 9 of the MCM5 protein (p.Ile9Val). This variant is present in population databases (rs761707670, gnomAD 0.003%). This variant has not been reported in the literature in individuals affected with MCM5-related conditions. An algorithm developed to predict the effect of missense changes on protein structure and function outputs the following: PolyPhen-2: "Benign". The valine amino acid residue is found in multiple mammalian species, which suggests that this missense change does not adversely affect protein function. In summary, the available evidence is currently insufficient to determine the role of this variant in disease. Therefore, it has been classified as a Variant of Uncertain Significance.